The following is an entry in ClinVar:

NM_020376.4(PNPLA2):c.1111G>A (p.Gly371Ser)

Gene: PNPLA2 (patatin like domain 2, triacylglycerol lipase; plus strand). Cytogenetic location: 11p15.5.
Variant type: single nucleotide variant.
Coding change: c.1111G>A on transcript NM_020376.4 (MANE Select); coding-DNA position 1111, G replaced by A.
Protein change: p.Gly371Ser; replaces glycine 371 with serine.
Molecular consequence: missense variant.
Genome position (GRCh38, 1-based): chr11:824,372, G>A. VCF-style: chr11-824372-G-A. GRCh37 (hg19) VCF-style: chr11-824372-G-A.
Other names: short protein forms G371S.
Identifiers: ClinVar variation 534191 (VCV000534191.5), dbSNP rs546282715, ClinGen allele CA5791307.

ClinVar aggregate classification (germline): Uncertain significance (1 of 4 stars; one submission).

Conditions:
Neutral lipid storage myopathy (NLSDM). Also called: NEUTRAL LIPID STORAGE DISEASE WITHOUT ICHTHYOSIS. Identifiers: Orphanet 98908, MedGen C1853136, MONDO:0012545, OMIM 610717.

Allele frequency attached by ClinVar (database versions not stated): gnomAD 0.00001 and 0.00002; gnomAD exomes 0.00001; TOPMed 0.00002; ExAC 0.00006; 1000 Genomes Project 30x 0.00016; 1000 Genomes Project 0.00020.

Submission:

Labcorp Genetics (formerly Invitae), Labcorp
Classification: Uncertain significance for Neutral lipid storage myopathy. Last evaluated: 2021-10-15. Review status: criteria provided, single submitter. Criteria: Invitae Variant Classification Sherloc (09022015). Collection method: clinical testing. Allele origin: germline.
Comment: In summary, the available evidence is currently insufficient to determine the role of this variant in disease. Therefore, it has been classified as a Variant of Uncertain Significance. Algorithms developed to predict the effect of missense changes on protein structure and function (SIFT, PolyPhen-2, Align-GVGD) all suggest that this variant is likely to be tolerated. This variant has not been reported in the literature in individuals affected with PNPLA2-related conditions. This variant is present in population databases (rs546282715, ExAC 0.2%). This sequence change replaces glycine with serine at codon 371 of the PNPLA2 protein (p.Gly371Ser). The glycine residue is moderately conserved and there is a small physicochemical difference between glycine and serine.